The following is an entry in ClinVar:

NM_025114.4(CEP290):c.5709+2T>G

Gene: CEP290 (centrosomal protein 290; minus strand). Cytogenetic location: 12q21.32.
Variant type: single nucleotide variant.
Coding change: c.5709+2T>G on transcript NM_025114.4 (MANE Select); the canonical splice donor site of the intron after coding-DNA position 5709, T replaced by G.
Molecular consequence: splice donor variant.
Genome position (GRCh38, 1-based): chr12:88,077,220, A>C on the plus strand (T>G on the coding strand, the complement: CEP290 is on the minus strand). VCF-style: chr12-88077220-A-C. GRCh37 (hg19) VCF-style: chr12-88470997-A-C.
Other names: c.5709+2T>G (NM_025114.3).
Identifiers: ClinVar variation 2177340 (VCV002177340.9), dbSNP rs2499838601, ClinGen allele CA385987155.
Genomic context (GRCh38, chr12:88,077,220, plus strand): 5'-TATGTATTTAACTTACTCTGTCACTACCTTAAGCATATAAGTCAGTATGTTTCTTCACAT[A>C]CCTTTTCTTTCATAGGTTTTAGGTCTACTTCCTCCACCTTTCCCTCTAATTGGTTCTCTA-3'

ClinVar aggregate classification (germline): Pathogenic/Likely pathogenic. Review status: criteria provided, multiple submitters, no conflicts (2 of 4 stars). 5 submissions from 5 submitters: Pathogenic (2); Likely pathogenic (3). Last evaluated 2025-08-11.

Conditions:
Nephronophthisis. Also called: Juvenile Nephronophthisis. Identifiers: Orphanet 655, MedGen C0687120, MONDO:0019005, HP:0000090.
Joubert syndrome. Also called: Familial aplasia of the vermis; JOUBERT-BOLTSHAUSER SYNDROME. Identifiers: Orphanet 475, MedGen C5979921, MONDO:0018772.
Meckel-Gruber syndrome. Also called: Dysencephalia splachnocystica; DYSENCEPHALIA SPLANCHNOCYSTICA; GRUBER SYNDROME. Identifiers: Orphanet 564, MedGen C0265215, MONDO:0018921.
Senior-Loken syndrome 6 (SLSN6). Identifiers: Orphanet 3156, MedGen C1857779, MONDO:0012433, OMIM 610189.
Meckel syndrome, type 4 (MKS4). Also called: MECKEL-GRUBER SYNDROME, TYPE 4. Identifiers: Orphanet 564, MedGen C1970161, MONDO:0012626, OMIM 611134.
Joubert syndrome 5 (JBTS5). Identifiers: Orphanet 2318, MedGen C1857780, MONDO:0012432, OMIM 610188.
Bardet-Biedl syndrome 14 (BBS14). Identifiers: Orphanet 110, MedGen C2673874, MONDO:0014442, OMIM 615991.
Leber congenital amaurosis 10 (LCA10). Identifiers: Orphanet 65, MedGen C1857821, MONDO:0012723, OMIM 611755.
CEP290-related disorder. Also called: CEP290-related condition; CEP290-related disorders. Identifiers: MedGen CN239314.
Leber congenital amaurosis (LCA). Also called: Leber's amaurosis. Identifiers: Orphanet 65, MedGen C0339527, MeSH D057130, MONDO:0018998.

Submissions (5):

Natera, Inc.
Classification: Likely pathogenic for Leber congenital amaurosis. Last evaluated: 2025-08-11. Review status: criteria provided, single submitter. Criteria: Natera Variant Classification Schema (03/2026). Collection method: clinical testing. Allele origin: germline.
Comment: The c.5709+2T>G variant in CEP290 is a canonical splice donor site variant predicted to affect pre-mRNA splicing, which may result in an abnormal transcript and altered protein product. This variant may result in a truncated or dysfunctional protein product. This variant is rare in the general population with a frequency below the threshold expected for the associated phenotype(s). This variant has been observed in one or more individuals affected with the associated recessive disease, as either homozygous or compound heterozygous with a second variant (PMID: 31877679). Given the available evidence, this variant is classified as Likely Pathogenic.

Fulgent Genetics
Classification: Likely pathogenic for Joubert syndrome 5; Senior-Loken syndrome 6; Meckel syndrome, type 4; Leber congenital amaurosis 10; Bardet-Biedl syndrome 14. Last evaluated: 2024-04-19. Review status: criteria provided, single submitter. Criteria: ACMG Guidelines, 2015. Collection method: clinical testing. Allele origin: germline.

Baylor Genetics
Classification: Pathogenic for Bardet-Biedl syndrome 14. Last evaluated: 2023-12-19. Review status: criteria provided, single submitter. Criteria: ACMG Guidelines, 2015. Collection method: clinical testing. Allele origin: unknown.

Labcorp Genetics (formerly Invitae), Labcorp
Classification: Pathogenic for Joubert syndrome; Meckel-Gruber syndrome; Nephronophthisis. Last evaluated: 2022-03-12. Review status: criteria provided, single submitter. Criteria: Invitae Variant Classification Sherloc (09022015). Collection method: clinical testing. Allele origin: germline.
Comment: For these reasons, this variant has been classified as Pathogenic. This sequence change affects a donor splice site in intron 41 of the CEP290 gene. It is expected to disrupt RNA splicing. Variants that disrupt the donor or acceptor splice site typically lead to a loss of protein function (PMID: 16199547), and loss-of-function variants in CEP290 are known to be pathogenic (PMID: 16909394, 17345604, 20690115). This variant is not present in population databases (gnomAD no frequency). Disruption of this splice site has been observed in individual(s) with inherited retinal dystrophy (PMID: 34196655). In at least one individual the data is consistent with being in trans (on the opposite chromosome) from a pathogenic variant. Algorithms developed to predict the effect of sequence changes on RNA splicing suggest that this variant may disrupt the consensus splice site.

Blueprint Genetics
Classification: Likely pathogenic for CEP290-related disorders. Last evaluated: 2021-12-28. Review status: criteria provided, single submitter. Criteria: ACMG Guidelines, 2015. Collection method: clinical testing. Allele origin: germline. Affected: yes. Observed: 1 variant allele.

Literature cited by the submitters: PubMed 31877679 (cited by Natera, Inc.); PubMed 16199547 (cited by Labcorp Genetics (formerly Invitae), Labcorp); PubMed 16909394 (cited by Labcorp Genetics (formerly Invitae), Labcorp); PubMed 17345604 (cited by Labcorp Genetics (formerly Invitae), Labcorp); PubMed 20690115 (cited by Labcorp Genetics (formerly Invitae), Labcorp); PubMed 34196655 (cited by Labcorp Genetics (formerly Invitae), Labcorp).